The following is an entry in ClinVar:

ClinVar aggregate classification (germline): Conflicting classifications of pathogenicity. Review status: criteria provided, conflicting classifications (1 of 4 stars). 5 submissions from 5 submitters: Uncertain significance (4); Likely benign (1). Last evaluated 2025-03-14.

Conditions:
Cardiovascular phenotype. Identifiers: MedGen CN230736.
Alstrom syndrome (ALMS). Identifiers: Orphanet 64, MedGen C0268425, MONDO:0008763, OMIM 203800.

Allele frequency attached by ClinVar (database versions not stated): gnomAD exomes below 0.00001; ExAC 0.00001; TOPMed 0.00001.
gnomAD v4.1: 7 of 1,614,200 alleles (0.00043%); highest among the groups gnomAD compares: South Asian, 0.0044%; no homozygotes.

Submissions (5):

Ambry Genetics
Classification: Likely benign for Cardiovascular phenotype. Last evaluated: 2025-03-14. Review status: criteria provided, single submitter. Criteria: Ambry Variant Classification Scheme 2023. Collection method: clinical testing. Allele origin: germline.

Labcorp Genetics (formerly Invitae), Labcorp
Classification: Uncertain significance for Alstrom syndrome. Last evaluated: 2025-01-23. Review status: criteria provided, single submitter. Criteria: Invitae Variant Classification Sherloc (09022015). Collection method: clinical testing. Allele origin: germline.
Comment: This sequence change replaces arginine, which is basic and polar, with glutamine, which is neutral and polar, at codon 4015 of the ALMS1 protein (p.Arg4015Gln). This variant is present in population databases (rs768365250, gnomAD 0.003%). This variant has not been reported in the literature in individuals affected with ALMS1-related conditions. ClinVar contains an entry for this variant (Variation ID: 1355440). Experimental studies and prediction algorithms are not available or were not evaluated, and the functional significance of this variant is currently unknown. In summary, the available evidence is currently insufficient to determine the role of this variant in disease. Therefore, it has been classified as a Variant of Uncertain Significance.

Fulgent Genetics
Classification: Uncertain significance for Alstrom syndrome. Last evaluated: 2022-02-11. Review status: criteria provided, single submitter. Criteria: ACMG Guidelines, 2015. Collection method: clinical testing. Allele origin: unknown.

Blueprint Genetics
Classification: Uncertain significance. Last evaluated: 2021-06-23. Review status: criteria provided, single submitter. Criteria: ACMG Guidelines, 2015. Collection method: clinical testing. Allele origin: germline.

Department of Pathology and Laboratory Medicine, Sinai Health System
Classification: Uncertain significance for Alstrom syndrome. Last evaluated: 2019-12-10. Review status: criteria provided, single submitter. Criteria: ACMG Guidelines, 2015. Collection method: research. Allele origin: germline.

NM_001378454.1(ALMS1):c.12041G>A (p.Arg4014Gln)

Genes: ALMS1 (ALMS1 centrosome and basal body associated protein; plus strand), LOC126806252 (BRD4-independent group 4 enhancer GRCh37_chr2:73828496-73829695; plus strand). Cytogenetic location: 2p13.1.
Variant type: single nucleotide variant.
Coding change: c.12041G>A on transcript NM_001378454.1 (MANE Select); coding-DNA position 12041, G replaced by A.
Protein change: p.Arg4014Gln; replaces arginine 4014 with glutamine.
Molecular consequence: missense variant.
Genome position (GRCh38, 1-based): chr2:73,601,363, G>A. VCF-style: chr2-73601363-G-A. GRCh37 (hg19) VCF-style: chr2-73828490-G-A.
Other names: c.12044G>A, p.Arg4015Gln (NM_015120.4); short protein forms R4014Q, R4015Q.
Identifiers: ClinVar variation 1355440 (VCV001355440.7), dbSNP rs768365250, ClinGen allele CA1715410.